The following is an entry in ClinVar:

NM_001003800.2(BICD2):c.1063-111G>C

Gene: BICD2 (BICD cargo adaptor 2; minus strand). Cytogenetic location: 9q22.31.
Variant type: single nucleotide variant.
Coding change: c.1063-111G>C on transcript NM_001003800.2 (MANE Select); 111 bases into the intron before coding-DNA position 1063, G replaced by C.
Molecular consequence: intron variant.
Genome position (GRCh38, 1-based): chr9:92,719,693, C>G on the plus strand (G>C on the coding strand, the complement: BICD2 is on the minus strand). VCF-style: chr9-92719693-C-G. GRCh37 (hg19) VCF-style: chr9-95481975-C-G.
Other names: c.1063-111G>C (NM_015250.4).
Identifiers: ClinVar variation 678244 (VCV000678244.5), dbSNP rs56339669, ClinGen allele CA12992832.

ClinVar aggregate classification (germline): Benign. Review status: criteria provided, multiple submitters, no conflicts (2 of 4 stars). 4 submissions from 3 submitters: Benign (4). Last evaluated 2021-07-14.

Conditions:
Spinal muscular atrophy, lower extremity-predominant, 2b, prenatal onset, autosomal dominant. Also called: Spinal muscular atrophy, lower extremity-predominant, 2B, autosomal dominant. Identifiers: MedGen C4749003, MONDO:0032660, OMIM 618291.
Autosomal dominant childhood-onset proximal spinal muscular atrophy with contractures (SMALED2A). Also called: SPINAL MUSCULAR ATROPHY, LOWER EXTREMITY-PREDOMINANT, 2A, CHILDHOOD ONSET, AUTOSOMAL DOMINANT; Spinal muscular atrophy, lower extremity-predominant, 2A, autosomal dominant. Identifiers: Orphanet 363447, Orphanet 363454, MedGen C4747715, MONDO:0014121, OMIM 615290.

Allele frequency attached by ClinVar (database versions not stated): gnomAD 0.26288 and 0.27783; TOPMed 0.28095; 1000 Genomes Project 30x 0.38898; 1000 Genomes Project 0.40076.
gnomAD v4.1: 365,890 of 1,196,592 alleles (31%); highest among the groups gnomAD compares: East Asian, 70%; 62,053 homozygotes.

Submissions (4):

Genome-Nilou Lab
Classification: Benign for Autosomal dominant childhood-onset proximal spinal muscular atrophy with contractures. Last evaluated: 2021-07-14. Review status: criteria provided, single submitter. Criteria: ACMG Guidelines, 2015. Collection method: clinical testing. Allele origin: germline. Affected: no.

Genome-Nilou Lab
Classification: Benign for Spinal muscular atrophy, lower extremity-predominant, 2b, prenatal onset, autosomal dominant. Last evaluated: 2021-07-14. Review status: criteria provided, single submitter. Criteria: ACMG Guidelines, 2015. Collection method: clinical testing. Allele origin: germline. Affected: no.

GeneDx
Classification: Benign. Last evaluated: 2018-06-18. Review status: criteria provided, single submitter. Criteria: GeneDx Variant Classification (06012015). Collection method: clinical testing. Allele origin: germline. Affected: yes.
Comment: This variant is considered likely benign or benign based on one or more of the following criteria: it is a conservative change, it occurs at a poorly conserved position in the protein, it is predicted to be benign by multiple in silico algorithms, and/or has population frequency not consistent with disease.

Breakthrough Genomics
Classification: Benign. Review status: criteria provided, single submitter. Criteria: ACMG Guidelines, 2015. Collection method: not provided. Allele origin: germline. Inheritance: Autosomal dominant inheritance. Affected: yes.